The following is an entry in ClinVar:

ClinVar aggregate classification (germline): Benign/Likely benign. Review status: criteria provided, multiple submitters, no conflicts (2 of 4 stars). 4 submissions from 4 submitters: Benign (1); Likely benign (2). 1 of the submissions does not count toward it. Last evaluated 2026-01-18.

Conditions:
SBF1-related disorder. Also called: SBF1-related condition.

Allele frequency attached by ClinVar (database versions not stated): gnomAD 0.00028 and 0.00044; gnomAD exomes 0.00033 and 0.00081; TOPMed 0.00048; ExAC 0.00075; 1000 Genomes Project 30x 0.00172; 1000 Genomes Project 0.00180.

Submissions (4):

Labcorp Genetics (formerly Invitae), Labcorp
Classification: Benign. Last evaluated: 2026-01-18. Review status: criteria provided, single submitter. Criteria: Invitae Variant Classification Sherloc (09022015). Collection method: clinical testing. Allele origin: germline.

CeGaT Center for Human Genetics Tuebingen
Classification: Likely benign. Last evaluated: 2025-04-01. Review status: criteria provided, single submitter. Criteria: CeGaT Center For Human Genetics Tuebingen Variant Classification Criteria Version 2. Collection method: clinical testing. Allele origin: germline. Affected: yes. Observed: 3 variant alleles.
Comment: SBF1: BP4, BP7

Blueprint Genetics
Classification: Likely benign. Last evaluated: 2024-11-27. Review status: criteria provided, single submitter. Criteria: ACMG Guidelines, 2015. Collection method: clinical testing. Allele origin: germline.

PreventionGenetics, part of Exact Sciences
Classification: Benign for SBF1-related condition. Last evaluated: 2019-07-02. Review status: no assertion criteria provided. Collection method: clinical testing. Allele origin: germline. Not counted in ClinVar's aggregate classification.
Comment: This variant is classified as benign based on ACMG/AMP sequence variant interpretation guidelines (Richards et al. 2015 PMID: 25741868, with internal and published modifications).

NM_002972.4(SBF1):c.4203C>T (p.Pro1401=)

Gene: SBF1 (SET binding factor 1; minus strand). Cytogenetic location: 22q13.33.
Variant type: single nucleotide variant.
Coding change: c.4203C>T on transcript NM_002972.4 (MANE Select); coding-DNA position 4203, C replaced by T.
Protein change: p.Pro1401=; no amino-acid change (proline 1401 retained).
Molecular consequence: synonymous variant.
Genome position (GRCh38, 1-based): chr22:50,456,279, G>A on the plus strand (C>T on the coding strand, the complement: SBF1 is on the minus strand). VCF-style: chr22-50456279-G-A. GRCh37 (hg19) VCF-style: chr22-50894708-G-A.
Other names: c.4128C>T, p.Pro1376= (NM_001365819.1); c.4203C>T (NM_002972.3).
Identifiers: ClinVar variation 1598702 (VCV001598702.34), dbSNP rs557575486, ClinGen allele CA10316354.